The following is an entry in ClinVar:

NM_005219.5(DIAPH1):c.-22G>T

Gene: DIAPH1 (diaphanous related formin 1; minus strand). Cytogenetic location: 5q31.3.
Variant type: single nucleotide variant.
Coding change: c.-22G>T on transcript NM_005219.5 (MANE Select); 22 bases upstream of the start codon, G replaced by T.
Molecular consequence: 5 prime UTR variant.
Genome position (GRCh38, 1-based): chr5:141,618,936, C>A on the plus strand (G>T on the coding strand, the complement: DIAPH1 is on the minus strand). VCF-style: chr5-141618936-C-A. GRCh37 (hg19) VCF-style: chr5-140998503-C-A.
Other names: c.-22G>T (NM_001079812.3, NM_001314007.2).
Identifiers: ClinVar variation 351307 (VCV000351307.7), dbSNP rs530831319, ClinGen allele CA3479722.

ClinVar aggregate classification (germline): Conflicting classifications of pathogenicity. Review status: criteria provided, conflicting classifications (1 of 4 stars). 3 submissions from 3 submitters: Uncertain significance (1); Likely benign (1). 1 of the submissions does not count toward it. Last evaluated 2018-01-12.

Conditions:
Autosomal dominant nonsyndromic hearing loss 1. Also called: KONIGSMARK SYNDROME; DEAFNESS, AUTOSOMAL DOMINANT 1, WITH OR WITHOUT THROMBOCYTOPENIA. Identifiers: Orphanet 90635, MedGen C1852282, MONDO:0007424, OMIM 124900.
DIAPH1-related disorder. Also called: DIAPH1-related condition.

Allele frequency attached by ClinVar (database versions not stated): ExAC 0.00046; 1000 Genomes Project 30x 0.00047; gnomAD exomes 0.00115; gnomAD 0.00122 and 0.00128; TOPMed 0.00131; 1000 Genomes Project 0.00160.
gnomAD v4.1: 3,087 of 1,402,666 alleles (0.22%); highest among the groups gnomAD compares: Non-Finnish European, 0.27%; 2 homozygotes.

Submissions (3):

Illumina Laboratory Services, Illumina
Classification: Uncertain significance for Autosomal dominant nonsyndromic hearing loss 1. Last evaluated: 2018-01-12. Review status: criteria provided, single submitter. Criteria: ICSL Variant Classification Criteria 13 December 2019. Collection method: clinical testing. Allele origin: germline.

GeneDx
Classification: Likely benign. Last evaluated: 2017-11-09. Review status: criteria provided, single submitter. Criteria: GeneDx Variant Classification (06012015). Collection method: clinical testing. Allele origin: germline. Affected: yes.
Comment: This variant is considered likely benign or benign based on one or more of the following criteria: it is a conservative change, it occurs at a poorly conserved position in the protein, it is predicted to be benign by multiple in silico algorithms, and/or has population frequency not consistent with disease.

PreventionGenetics, part of Exact Sciences
Classification: Likely benign for DIAPH1-related condition. Last evaluated: 2022-01-06. Review status: no assertion criteria provided. Collection method: clinical testing. Allele origin: germline. Not counted in ClinVar's aggregate classification.
Comment: This variant is classified as likely benign based on ACMG/AMP sequence variant interpretation guidelines (Richards et al. 2015 PMID: 25741868, with internal and published modifications).